The following is an entry in ClinVar:

ClinVar aggregate classification (germline): Pathogenic (1 of 4 stars; one submission).

gnomAD v4.1: 1 of 1,528,958 alleles (0.000065%); highest among the groups gnomAD compares: Non-Finnish European, 0.00009%; no homozygotes.

Submission:

Labcorp Genetics (formerly Invitae), Labcorp
Classification: Pathogenic. Last evaluated: 2023-10-04. Review status: criteria provided, single submitter. Criteria: Invitae Variant Classification Sherloc (09022015). Collection method: clinical testing. Allele origin: germline.
Comment: This sequence change affects a donor splice site in intron 8 of the MUT gene. It is expected to disrupt RNA splicing. Variants that disrupt the donor or acceptor splice site typically lead to a loss of protein function (PMID: 16199547), and loss-of-function variants in MUT are known to be pathogenic (PMID: 15781192). This variant is not present in population databases (gnomAD no frequency). Disruption of this splice site has been observed in individual(s) with methylmalonic aciduria (PMID: 15643616). Algorithms developed to predict the effect of sequence changes on RNA splicing suggest that this variant may disrupt the consensus splice site. For these reasons, this variant has been classified as Pathogenic.

Literature cited by the submitters: PubMed 16199547; PubMed 15781192; PubMed 15643616.

NM_000255.4(MMUT):c.1560+1G>A

Gene: MMUT (methylmalonyl-CoA mutase; minus strand). Cytogenetic location: 6p12.3.
Variant type: single nucleotide variant.
Coding change: c.1560+1G>A on transcript NM_000255.4 (MANE Select); the canonical splice donor site of the intron after coding-DNA position 1560, G replaced by A.
Molecular consequence: splice donor variant.
Genome position (GRCh38, 1-based): chr6:49,447,669, C>T on the plus strand (G>A on the coding strand, the complement: MMUT is on the minus strand). VCF-style: chr6-49447669-C-T. GRCh37 (hg19) VCF-style: chr6-49415382-C-T.
Identifiers: ClinVar variation 2734887 (VCV002734887.3), dbSNP rs200019422, ClinGen allele CA364397071.
Genomic context (GRCh38, chr6:49,447,669, plus strand): 5'-TAGCCAGAGCCCAGAACACAGAAAATACTTAAAAAAAAAAAAAAAAGCAAGCTATTAATA[C>T]CTTCTTAAGTTTTTCAATCTGCCTGTTTCGCACTGAAGTATTATCAATTGCCAGAACTTC-3'